The following is an entry in ClinVar:

NM_018979.4(WNK1):c.10G>A (p.Gly4Ser)

Gene: WNK1 (WNK lysine deficient protein kinase 1; plus strand). Cytogenetic location: 12p13.33.
Variant type: single nucleotide variant.
Coding change: c.10G>A on transcript NM_018979.4 (MANE Select); coding-DNA position 10, G replaced by A.
Protein change: p.Gly4Ser; replaces glycine 4 with serine.
Molecular consequence: missense variant.
Genome position (GRCh38, 1-based): chr12:753,575, G>A. VCF-style: chr12-753575-G-A. GRCh37 (hg19) VCF-style: chr12-862741-G-A.
Other names: c.10G>A, p.Gly4Ser (NM_001184985.2, NM_014823.3, NM_213655.5); short protein forms G4S.
Identifiers: ClinVar variation 1474647 (VCV001474647.8), dbSNP rs779638918, ClinGen allele CA383303255.

ClinVar aggregate classification (germline): Uncertain significance (1 of 4 stars; one submission).

Conditions:
Neuropathy, hereditary sensory and autonomic, type 2A (HSAN2A). Also called: ACROOSTEOLYSIS, GIACCAI TYPE; ACROOSTEOLYSIS, NEUROGENIC; MORVAN DISEASE; NEUROPATHY, CONGENITAL SENSORY; NEUROPATHY, HEREDITARY SENSORY RADICULAR, AUTOSOMAL RECESSIVE; NEUROPATHY, HEREDITARY SENSORY, TYPE IIA. Identifiers: Orphanet 970, MedGen C2752089, MONDO:0024309, OMIM 201300.
Pseudohypoaldosteronism type 2C (PHA2C). Also called: Pseudohypoaldosteronism Type IIC. Identifiers: Orphanet 757, Orphanet 88940, MedGen C1840391, MONDO:0013778, OMIM 614492.

Submission:

Labcorp Genetics (formerly Invitae), Labcorp
Classification: Uncertain significance for Neuropathy, hereditary sensory and autonomic, type 2A; Pseudohypoaldosteronism type 2C. Last evaluated: 2022-11-22. Review status: criteria provided, single submitter. Criteria: Invitae Variant Classification Sherloc (09022015). Collection method: clinical testing. Allele origin: germline.
Comment: In summary, the available evidence is currently insufficient to determine the role of this variant in disease. Therefore, it has been classified as a Variant of Uncertain Significance. Advanced modeling of protein sequence and biophysical properties (such as structural, functional, and spatial information, amino acid conservation, physicochemical variation, residue mobility, and thermodynamic stability) performed at Invitae indicates that this missense variant is not expected to disrupt WNK1 protein function. ClinVar contains an entry for this variant (Variation ID: 1474647). This variant has not been reported in the literature in individuals affected with WNK1-related conditions. This variant is not present in population databases (gnomAD no frequency). This sequence change replaces glycine, which is neutral and non-polar, with serine, which is neutral and polar, at codon 4 of the WNK1 protein (p.Gly4Ser).